The following is an entry in ClinVar:

ClinVar aggregate classification (germline): Uncertain significance. Review status: criteria provided, multiple submitters, no conflicts (2 of 4 stars). 7 submissions from 7 submitters: Uncertain significance (6). 1 of the submissions does not count toward it. Last evaluated 2024-02-19.

Conditions:
CFTR-related disorder (CFTR-RD). Also called: CFTR-related condition; CFTR-related disorders. Identifiers: MedGen C5924204, MONDO:7770004.
Cystic fibrosis (CF). Also called: MUCOVISCIDOSIS. Identifiers: Orphanet 586, MedGen C0010674, MONDO:0009061, OMIM 219700. Disease mechanism: loss of function.

Allele frequency attached by ClinVar (database versions not stated): ExAC 0.00001; gnomAD exomes below 0.00001.
gnomAD v4.1: 1 of 1,613,636 alleles (0.000062%); highest among the groups gnomAD compares: Non-Finnish European, 0.000085%; no homozygotes.

Submissions (7):

Women's Health and Genetics/Laboratory Corporation of America, LabCorp
Classification: Uncertain significance. Last evaluated: 2024-02-19. Review status: criteria provided, single submitter. Criteria: LabCorp Variant Classification Summary - May 2015. Collection method: clinical testing. Allele origin: germline.
Comment: Variant summary: CFTR c.4439T>C (p.Leu1480Pro) results in a non-conservative amino acid change in the encoded protein sequence. Five of five in-silico tools predict a damaging effect of the variant on protein function. The variant allele was found at a frequency of 4e-06 in 250708 control chromosomes (gnomAD). The available data on variant occurrences in the general population are insufficient to allow any conclusion about variant significance. c.4439T>C has been reported in the literature together with F508del in an individual identified through a newborn screening program, who had a negative sweat test, was given an inconclusive diagnosis, and was subsequently lost to follow up (Sommerburg_2022). The variant has also been reported in a CF-carrier screening cohort consisting of individuals with no prior family history of CF (PICCI_2010). These reports do not provide unequivocal conclusions about association of the variant with Cystic Fibrosis. To our knowledge, no experimental evidence demonstrating an impact on protein function has been reported. The following publications have been ascertained in the context of this evaluation (PMID: 19897426, 34764021). ClinVar contains an entry for this variant (Variation ID: 909238). Based on the evidence outlined above, the variant was classified as uncertain significance.

Quest Diagnostics Nichols Institute San Juan Capistrano
Classification: Uncertain significance. Last evaluated: 2023-08-14. Review status: criteria provided, single submitter. Criteria: Quest Diagnostics criteria. Collection method: clinical testing. Allele origin: unknown.
Comment: The frequency of this variant in the general population, 0.000004 (1/250708 chromosomes (Genome Aggregation Database)), is uninformative in the assessment of its pathogenicity. Analysis of this variant using bioinformatics tools for the prediction of the effect of amino acid changes on protein structure and function yielded predictions that this variant is damaging. Based on the available information, we are unable to determine the clinical significance of this variant.

GeneDx
Classification: Uncertain significance. Last evaluated: 2022-09-02. Review status: criteria provided, single submitter. Criteria: GeneDx Variant Classification Process June 2021. Collection method: clinical testing. Allele origin: germline. Affected: yes.
Comment: Identified through carrier screening in the general population; however, clinical and segregation information was not provided (Picci et al., 2010); Not observed at significant frequency in large population cohorts (gnomAD); In silico analysis supports that this missense variant does not alter protein structure/function; This variant is associated with the following publications: (PMID: 19897426)

Genome-Nilou Lab
Classification: Uncertain significance for Cystic fibrosis. Last evaluated: 2021-09-05. Review status: criteria provided, single submitter. Criteria: ACMG Guidelines, 2015. Collection method: clinical testing. Allele origin: germline. Affected: no.

Labcorp Genetics (formerly Invitae), Labcorp
Classification: Uncertain significance for Cystic fibrosis. Last evaluated: 2021-09-01. Review status: criteria provided, single submitter. Criteria: Invitae Variant Classification Sherloc (09022015). Collection method: clinical testing. Allele origin: germline.
Comment: This sequence change replaces leucine with proline at codon 1480 of the CFTR protein (p.Leu1480Pro). The leucine residue is highly conserved and there is a moderate physicochemical difference between leucine and proline. This variant is present in population databases (rs758818611, ExAC 0.002%). This variant has not been reported in the literature in individuals affected with CFTR-related conditions. Algorithms developed to predict the effect of missense changes on protein structure and function are either unavailable or do not agree on the potential impact of this missense change (SIFT: "Deleterious"; PolyPhen-2: "Probably Damaging"; Align-GVGD: "Class C0"). In summary, the available evidence is currently insufficient to determine the role of this variant in disease. Therefore, it has been classified as a Variant of Uncertain Significance.

Illumina Laboratory Services, Illumina
Classification: Uncertain significance for CFTR-Related Disorders. Last evaluated: 2017-04-27. Review status: criteria provided, single submitter. Criteria: ICSL Variant Classification Criteria 13 December 2019. Collection method: clinical testing. Allele origin: germline.
Comment: This variant was observed as part of a predisposition screen in an ostensibly healthy population. A literature search was performed for the gene, cDNA change, and amino acid change (where applicable). Publications were found based on this search. However, the evidence from the literature, in combination with allele frequency data from public databases where available, was not sufficient to rule this variant in or out of causing disease. Therefore, this variant is classified as a variant of unknown significance.

Natera, Inc.
Classification: Uncertain significance for CFTR-related disorders. Last evaluated: 2021-01-11. Review status: no assertion criteria provided. Collection method: clinical testing. Allele origin: germline. Not counted in ClinVar's aggregate classification.

Literature cited by the submitters: PubMed 19897426 (cited by 3 submitters); PubMed 34764021 (cited by Women's Health and Genetics/Laboratory Corporation of America, LabCorp).

NM_000492.4(CFTR):c.4439T>C (p.Leu1480Pro)

Genes: CFTR (CF transmembrane conductance regulator; plus strand), LOC111674477 (CFTR intron 23 enhancer; plus strand). Cytogenetic location: 7q31.2.
Variant type: single nucleotide variant.
Coding change: c.4439T>C on transcript NM_000492.4 (MANE Select); coding-DNA position 4439, T replaced by C.
Protein change: p.Leu1480Pro; replaces leucine 1480 with proline.
Molecular consequence: missense variant.
Genome position (GRCh38, 1-based): chr7:117,667,104, T>C. VCF-style: chr7-117667104-T-C. GRCh37 (hg19) VCF-style: chr7-117307158-T-C.
Other names: short protein forms L1480P.
Identifiers: ClinVar variation 909238 (VCV000909238.19), dbSNP rs758818611, ClinGen allele CA4451709.